The following is an entry in ClinVar:

ClinVar aggregate classification (germline): Benign/Likely benign. Review status: criteria provided, multiple submitters, no conflicts (2 of 4 stars). 5 submissions from 5 submitters: Benign (2); Likely benign (3). Last evaluated 2026-05-01.

Conditions:
Atypical hemolytic-uremic syndrome with C3 anomaly. Also called: AHUS, SUSCEPTIBILITY TO, 5. Identifiers: Orphanet 2134, MedGen C2752037, MONDO:0013043, OMIM 612925.
Complement component 3 deficiency. Identifiers: Orphanet 280133, MedGen C3151071, MONDO:0013417, OMIM 613779.
Age related macular degeneration 9. Identifiers: MedGen C1969651, MONDO:0012659, OMIM 611378.

Allele frequency attached by ClinVar (database versions not stated): gnomAD exomes 0.00019 and 0.00050; ExAC 0.00058; ESP Exome Variant Server 0.00131; gnomAD 0.00181 and 0.00189; 1000 Genomes Project 30x 0.00187; TOPMed 0.00187; 1000 Genomes Project 0.00200.
gnomAD v4.1: 553 of 1,613,894 alleles (0.034%); highest among the groups gnomAD compares: African/African-American, 0.65%; 5 homozygotes.

Submissions (5):

CeGaT Center for Human Genetics Tuebingen
Classification: Likely benign. Last evaluated: 2026-05-01. Review status: criteria provided, single submitter. Criteria: CeGaT Center For Human Genetics Tuebingen Variant Classification Criteria Version 2. Collection method: clinical testing. Allele origin: germline. Affected: yes. Observed: 1 variant allele.
Comment: C3: BP4, BP7

Labcorp Genetics (formerly Invitae), Labcorp
Classification: Benign. Last evaluated: 2026-01-17. Review status: criteria provided, single submitter. Criteria: Invitae Variant Classification Sherloc (09022015). Collection method: clinical testing. Allele origin: germline.

Blueprint Genetics
Classification: Likely benign. Last evaluated: 2024-09-13. Review status: criteria provided, single submitter. Criteria: ACMG Guidelines, 2015. Collection method: clinical testing. Allele origin: germline.

Fulgent Genetics
Classification: Likely benign for Age related macular degeneration 9; Atypical hemolytic-uremic syndrome with C3 anomaly; Complement component 3 deficiency. Last evaluated: 2021-08-04. Review status: criteria provided, single submitter. Criteria: ACMG Guidelines, 2015. Collection method: clinical testing. Allele origin: unknown.

Breakthrough Genomics
Classification: Benign. Review status: criteria provided, single submitter. Criteria: ACMG Guidelines, 2015. Collection method: not provided. Allele origin: germline. Inheritance: Autosomal recessive inheritance. Affected: yes.

NM_000064.4(C3):c.2685C>T (p.Ser895=)

Gene: C3 (complement C3; minus strand). Cytogenetic location: 19p13.3.
Variant type: single nucleotide variant.
Coding change: c.2685C>T on transcript NM_000064.4 (MANE Select); coding-DNA position 2685, C replaced by T.
Protein change: p.Ser895=; no amino-acid change (serine 895 retained).
Molecular consequence: synonymous variant.
Genome position (GRCh38, 1-based): chr19:6,697,455, G>A on the plus strand (C>T on the coding strand, the complement: C3 is on the minus strand). VCF-style: chr19-6697455-G-A. GRCh37 (hg19) VCF-style: chr19-6697466-G-A.
Identifiers: ClinVar variation 728181 (VCV000728181.16), dbSNP rs138884408, ClinGen allele CA9128997.
Genomic context (GRCh38, chr19:6,697,455, plus strand): 5'-AGCAGCCTTGACTTCCACTTCCTGCAGGCCGGTCTTTAGCGGCACGATGACATATGGAAC[G>A]GACAACGAGGACTTGGGGGGGATGGTTACGGTCTGCTGGTGACGCCTCTTGGTGGTGGCC-3'
Protein context (NP_000055.2, residues 885-905): TVTIPPKSSL[Ser895=]VPYVIVPLKT